The following is an entry in ClinVar:

NM_004655.4(AXIN2):c.364C>G (p.Leu122Val)

Gene: AXIN2 (axin 2; minus strand). Cytogenetic location: 17q24.1.
Variant type: single nucleotide variant.
Coding change: c.364C>G on transcript NM_004655.4 (MANE Select); coding-DNA position 364, C replaced by G.
Protein change: p.Leu122Val; replaces leucine 122 with valine.
Molecular consequence: missense variant.
Genome position (GRCh38, 1-based): chr17:65,558,257, G>C on the plus strand (C>G on the coding strand, the complement: AXIN2 is on the minus strand). VCF-style: chr17-65558257-G-C. GRCh37 (hg19) VCF-style: chr17-63554375-G-C.
Other names: c.364C>G, p.Leu122Val (NM_001363813.1); short protein forms L122V.
Identifiers: ClinVar variation 4826941 (VCV004826941.1).
Genomic context (GRCh38, chr17:65,558,257, plus strand): 5'-TGTTCTCAATGTACCTTTTGTAGATCGCTTTGGCTACTCGTAAAGTTTTGGTATCCTTCA[G>C]GTTCATCTGCCTGAATCCATTGCAGGCAAACCAGAAGTCTAAGGTATCCACGCATTTCTC-3'
Protein context (NP_004646.3, residues 112-132): FACNGFRQMN[Leu122Val]KDTKTLRVAK

ClinVar aggregate classification (germline): Uncertain significance (1 of 4 stars; one submission).

Conditions:
Hereditary cancer-predisposing syndrome. Also called: Neoplastic Syndromes, Hereditary; Tumor predisposition; Hereditary Cancer Syndrome; Hereditary neoplastic syndrome. Identifiers: Orphanet 140162, MedGen C0027672, MeSH D009386, MONDO:0015356.

Submission:

Ambry Genetics
Classification: Uncertain significance for Hereditary cancer-predisposing syndrome. Last evaluated: 2026-02-28. Review status: criteria provided, single submitter. Criteria: Ambry Variant Classification Scheme 2023. Collection method: clinical testing. Allele origin: germline.
Comment: The p.L122V variant (also known as c.364C>G), located in coding exon 1 of the AXIN2 gene, results from a C to G substitution at nucleotide position 364. The leucine at codon 122 is replaced by valine, an amino acid with highly similar properties. This amino acid position is conserved. In addition, this alteration is predicted to be tolerated by in silico analysis. Based on the available evidence, the clinical significance of this variant remains unclear.